The following is an entry in ClinVar:

NM_000090.4(COL3A1):c.447G>A (p.Gln149=)

Gene: COL3A1 (collagen type III alpha 1 chain; plus strand). Cytogenetic location: 2q32.2.
Variant type: single nucleotide variant.
Coding change: c.447G>A on transcript NM_000090.4 (MANE Select); coding-DNA position 447, G replaced by A.
Protein change: p.Gln149=; no amino-acid change (glutamine 149 retained).
Molecular consequence: synonymous variant.
Genome position (GRCh38, 1-based): chr2:188,985,778, G>A. VCF-style: chr2-188985778-G-A. GRCh37 (hg19) VCF-style: chr2-189850504-G-A.
Identifiers: ClinVar variation 2090129 (VCV002090129.4), dbSNP rs2469108516, ClinGen allele CA430308835.

ClinVar aggregate classification (germline): Uncertain significance (1 of 4 stars; one submission).

Conditions:
Ehlers-Danlos syndrome, type 4 (EDSVASC). Also called: Ehlers-Danlos syndrome vascular type; Ehlers Danlos syndrome, ecchymotic type; Ehlers Danlos syndrome, arterial type; Ehlers Danlos syndrome, Sack-Barabas type; Ehlers-Danlos Syndrome Type IV. Identifiers: Orphanet 286, MedGen C0268338, MONDO:0017314, OMIM 130050.

Submission:

Labcorp Genetics (formerly Invitae), Labcorp
Classification: Uncertain significance for Ehlers-Danlos syndrome, type 4. Last evaluated: 2022-01-26. Review status: criteria provided, single submitter. Criteria: Invitae Variant Classification Sherloc (09022015). Collection method: clinical testing. Allele origin: germline.
Comment: This sequence change affects codon 149 of the COL3A1 mRNA. It is a 'silent' change, meaning that it does not change the encoded amino acid sequence of the COL3A1 protein. This variant also falls at the last nucleotide of exon 4, which is part of the consensus splice site for this exon. This variant is not present in population databases (gnomAD no frequency). This variant has not been reported in the literature in individuals affected with COL3A1-related conditions. Variants that disrupt the consensus splice site are a relatively common cause of aberrant splicing (PMID: 17576681, 9536098). Algorithms developed to predict the effect of sequence changes on RNA splicing suggest that this variant may disrupt the consensus splice site. In summary, the available evidence is currently insufficient to determine the role of this variant in disease. Therefore, it has been classified as a Variant of Uncertain Significance.

Literature cited by the submitters: PubMed 17576681; PubMed 9536098.